The following is an entry in ClinVar:

ClinVar aggregate classification (germline): Uncertain significance (1 of 4 stars; one submission).

gnomAD v4.1: 4 of 1,614,044 alleles (0.00025%); highest among the groups gnomAD compares: Admixed American, 0.005%; no homozygotes.

Submission:

Labcorp Genetics (formerly Invitae), Labcorp
Classification: Uncertain significance. Last evaluated: 2022-01-27. Review status: criteria provided, single submitter. Criteria: Invitae Variant Classification Sherloc (09022015). Collection method: clinical testing. Allele origin: germline.
Comment: This sequence change replaces proline, which is neutral and non-polar, with leucine, which is neutral and non-polar, at codon 528 of the XYLT2 protein (p.Pro528Leu). This variant is present in population databases (rs369917912, gnomAD 0.006%). This variant has not been reported in the literature in individuals affected with XYLT2-related conditions. Algorithms developed to predict the effect of missense changes on protein structure and function are either unavailable or do not agree on the potential impact of this missense change (SIFT: "Tolerated"; PolyPhen-2: "Possibly Damaging"; Align-GVGD: "Class C0"). In summary, the available evidence is currently insufficient to determine the role of this variant in disease. Therefore, it has been classified as a Variant of Uncertain Significance.

NM_022167.4(XYLT2):c.1583C>T (p.Pro528Leu)

Gene: XYLT2 (xylosyltransferase 2; plus strand). Cytogenetic location: 17q21.33.
Variant type: single nucleotide variant.
Coding change: c.1583C>T on transcript NM_022167.4 (MANE Select); coding-DNA position 1583, C replaced by T.
Protein change: p.Pro528Leu; replaces proline 528 with leucine.
Molecular consequence: missense variant.
Genome position (GRCh38, 1-based): chr17:50,356,611, C>T. VCF-style: chr17-50356611-C-T. GRCh37 (hg19) VCF-style: chr17-48433972-C-T.
Other names: short protein forms P528L.
Identifiers: ClinVar variation 1911728 (VCV001911728.2), dbSNP rs369917912, ClinGen allele CA8646495.